The following is an entry in ClinVar:

ClinVar aggregate classification (germline): Conflicting classifications of pathogenicity. Review status: criteria provided, conflicting classifications (1 of 4 stars). 4 submissions from 4 submitters: Uncertain significance (3); Likely benign (1). Last evaluated 2025-04-26.

Conditions:
Inborn genetic diseases. Identifiers: MedGen C0950123, MeSH D030342.
Ullrich congenital muscular dystrophy 2 (UCMD2). Identifiers: Orphanet 75840, MedGen C4225314, MONDO:0014654, OMIM 616470.
Bethlem myopathy 2 (BTHLM2). Identifiers: Orphanet 536516, Orphanet 610, MedGen C4225313, MONDO:0034022, OMIM 616471.

Allele frequency attached by ClinVar (database versions not stated): TOPMed 0.00001; gnomAD exomes 0.00002 and 0.00006.
gnomAD v4.1: 10 of 1,551,834 alleles (0.00064%); highest among the groups gnomAD compares: Admixed American, 0.016%; no homozygotes.

Submissions (4):

Labcorp Genetics (formerly Invitae), Labcorp
Classification: Likely benign for Bethlem myopathy 2; Ullrich congenital muscular dystrophy 2. Last evaluated: 2025-04-26. Review status: criteria provided, single submitter. Criteria: Invitae Variant Classification Sherloc (09022015). Collection method: clinical testing. Allele origin: germline.

Women's Health and Genetics/Laboratory Corporation of America, LabCorp
Classification: Uncertain significance. Last evaluated: 2025-02-12. Review status: criteria provided, single submitter. Criteria: LabCorp Variant Classification Summary - May 2015. Collection method: clinical testing. Allele origin: germline.
Comment: Variant summary: COL12A1 c.62T>C (p.Ile21Thr) results in a non-conservative amino acid change in the encoded protein sequence. Three of five in-silico tools predict a benign effect of the variant on protein function. The variant allele was found at a frequency of 6.5e-05 in 154678 control chromosomes (gnomAD). This frequency is not higher than estimated for a pathogenic variant in COL12A1 causing Ullrich congenital muscular dystrophy 2 (0.0035), allowing no conclusion about variant significance. To our knowledge, no occurrence of c.62T>C in individuals affected with Ullrich congenital muscular dystrophy 2 and no experimental evidence demonstrating its impact on protein function have been reported. ClinVar contains an entry for this variant (Variation ID: 660418). Based on the evidence outlined above, the variant was classified as uncertain significance.

Ambry Genetics
Classification: Uncertain significance for Inborn genetic diseases. Last evaluated: 2024-05-16. Review status: criteria provided, single submitter. Criteria: Ambry Variant Classification Scheme 2023. Collection method: clinical testing. Allele origin: germline.

GeneDx
Classification: Uncertain significance. Last evaluated: 2022-01-28. Review status: criteria provided, single submitter. Criteria: GeneDx Variant Classification Process June 2021. Collection method: clinical testing. Allele origin: germline. Affected: yes.
Comment: Has not been previously published as pathogenic or benign to our knowledge; In silico analysis supports that this missense variant does not alter protein structure/function; Reported in ClinVar as a variant of uncertain significance (ClinVar Variant ID# 660418; ClinVar)

NM_004370.6(COL12A1):c.62T>C (p.Ile21Thr)

Gene: COL12A1 (collagen type XII alpha 1 chain; minus strand). Cytogenetic location: 6q14.1.
Variant type: single nucleotide variant.
Coding change: c.62T>C on transcript NM_004370.6 (MANE Select); coding-DNA position 62, T replaced by C.
Protein change: p.Ile21Thr; replaces isoleucine 21 with threonine.
Molecular consequence: missense variant.
Genome position (GRCh38, 1-based): chr6:75,202,731, A>G on the plus strand (T>C on the coding strand, the complement: COL12A1 is on the minus strand). VCF-style: chr6-75202731-A-G. GRCh37 (hg19) VCF-style: chr6-75912447-A-G.
Other names: c.62T>C, p.Ile21Thr (NM_080645.3); short protein forms I21T.
Identifiers: ClinVar variation 660418 (VCV000660418.10), dbSNP rs576888932, ClinGen allele CA141009427.
Genomic context (GRCh38, chr6:75,202,731, plus strand): 5'-TTCTCGAATTTTGCATTGTCACTCGGTGAAGGGGAAGGGAGCCTTTTACCTTCTGCCTCA[A>G]TGGAAGACAGGAGCAGGGCCGCGCCCAGGGCGGCAAGCGCTGGGGGAAGCCTACTCCGCA-3'
Protein context (NP_004361.3, residues 11-31): ALGAALLLSS[Ile21Thr]EAEVDPPSDL